The following is an entry in ClinVar:

NM_005592.4(MUSK):c.263G>A (p.Ser88Asn)

Gene: MUSK (muscle associated receptor tyrosine kinase; plus strand). Cytogenetic location: 9q31.3.
Variant type: single nucleotide variant.
Coding change: c.263G>A on transcript NM_005592.4 (MANE Select); coding-DNA position 263, G replaced by A.
Protein change: p.Ser88Asn; replaces serine 88 with asparagine.
Molecular consequence: missense variant.
Genome position (GRCh38, 1-based): chr9:110,687,173, G>A. VCF-style: chr9-110687173-G-A. GRCh37 (hg19) VCF-style: chr9-113449453-G-A.
Other names: c.263G>A, p.Ser88Asn (NM_001166280.2, NM_001166281.2); c.263G>A (NM_005592.3); short protein forms S88N.
Identifiers: ClinVar variation 2144330 (VCV002144330.2), dbSNP rs772270944, ClinGen allele CA5183974.

ClinVar aggregate classification (germline): Uncertain significance. Review status: criteria provided, multiple submitters, no conflicts (2 of 4 stars). 2 submissions from 2 submitters: Uncertain significance (2). Last evaluated 2025-03-18.

Conditions:
Fetal akinesia deformation sequence 1 (FADS1). Also called: Pena-Shokeir syndrome type I; Fetal akinesia sequence. Identifiers: Orphanet 994, MedGen C1276035, MONDO:0100101, OMIM 208150, HP:0001989.
Congenital myasthenic syndrome 9. Also called: Myasthenic syndrome, congenital, 9, associated with acetylcholine receptor deficiency. Identifiers: Orphanet 590, MedGen C4225368, MONDO:0014587, OMIM 616325.
Inborn genetic diseases. Identifiers: MedGen C0950123, MeSH D030342.

Allele frequency attached by ClinVar (database versions not stated): ExAC 0.00001; TOPMed 0.00001.

Submissions (2):

Ambry Genetics
Classification: Uncertain significance for Inborn genetic diseases. Last evaluated: 2025-03-18. Review status: criteria provided, single submitter. Criteria: Ambry Variant Classification Scheme 2023. Collection method: clinical testing. Allele origin: germline.

Labcorp Genetics (formerly Invitae), Labcorp
Classification: Uncertain significance for Congenital myasthenic syndrome 9; Fetal akinesia deformation sequence 1. Last evaluated: 2022-04-16. Review status: criteria provided, single submitter. Criteria: Invitae Variant Classification Sherloc (09022015). Collection method: clinical testing. Allele origin: germline.
Comment: This sequence change replaces serine, which is neutral and polar, with asparagine, which is neutral and polar, at codon 88 of the MUSK protein (p.Ser88Asn). This variant is present in population databases (rs772270944, gnomAD 0.01%). This variant has not been reported in the literature in individuals affected with MUSK-related conditions. Advanced modeling of protein sequence and biophysical properties (such as structural, functional, and spatial information, amino acid conservation, physicochemical variation, residue mobility, and thermodynamic stability) performed at Invitae indicates that this missense variant is not expected to disrupt MUSK protein function. In summary, the available evidence is currently insufficient to determine the role of this variant in disease. Therefore, it has been classified as a Variant of Uncertain Significance.